The following is an entry in ClinVar:

NM_080732.4(EGLN2):c.626A>C (p.Glu209Ala)

Genes: EGLN2 (egl-9 family hypoxia inducible factor 2; plus strand), RAB4B-EGLN2 (RAB4B-EGLN2 readthrough (NMD candidate); plus strand). Cytogenetic location: 19q13.2.
Variant type: single nucleotide variant.
Coding change: c.626A>C on transcript NM_080732.4 (MANE Select); coding-DNA position 626, A replaced by C.
Protein change: p.Glu209Ala; replaces glutamic acid 209 with alanine.
Molecular consequence: missense variant. On other transcripts: non-coding transcript variant (1).
Genome position (GRCh38, 1-based): chr19:40,801,198, A>C. VCF-style: chr19-40801198-A-C. GRCh37 (hg19) VCF-style: chr19-41307103-A-C.
Other names: c.626A>C, p.Glu209Ala (NM_053046.4); short protein forms E209A.
Identifiers: ClinVar variation 2564158 (VCV002564158.2), dbSNP rs2515994930, ClinGen allele CA405955649.
Genomic context (GRCh38, chr19:40,801,198, plus strand): 5'-ACGGCATCTGCGTCAAGGACAGCTTCCTGGGGGCAGCACTGGGCGGTCGCGTGCTGGCCG[A>C]GGTGGAGGCCCTCAAACGGGGTGGGCGCCTGCGAGACGGGCAGCTAGTGAGCCAGAGGGC-3'
Protein context (NP_542770.2, residues 199-219): GAALGGRVLA[Glu209Ala]VEALKRGGRL

ClinVar aggregate classification (germline): Uncertain significance (1 of 4 stars; one submission).

Submission:

Ambry Genetics
Classification: Uncertain significance. Last evaluated: 2023-05-03. Review status: criteria provided, single submitter. Criteria: Ambry Variant Classification Scheme 2023. Collection method: clinical testing. Allele origin: germline.
Comment: The p.E209A variant (also known as c.626A>C), located in coding exon 1 of the EGLN2 gene, results from an A to C substitution at nucleotide position 626. The glutamic acid at codon 209 is replaced by alanine, an amino acid with dissimilar properties. This amino acid position is conserved. In addition, this alteration is predicted to be tolerated by in silico analysis. Since supporting evidence is limited at this time, the clinical significance of this alteration remains unclear.